The following is an entry in ClinVar:

NM_054012.4(ASS1):c.710A>T (p.Asn237Ile)

Gene: ASS1 (argininosuccinate synthase 1; plus strand). Cytogenetic location: 9q34.11.
Variant type: single nucleotide variant.
Coding change: c.710A>T on transcript NM_054012.4 (MANE Select); coding-DNA position 710, A replaced by T.
Protein change: p.Asn237Ile; replaces asparagine 237 with isoleucine.
Molecular consequence: missense variant.
Genome position (GRCh38, 1-based): chr9:130,479,737, A>T. VCF-style: chr9-130479737-A-T. GRCh37 (hg19) VCF-style: chr9-133355124-A-T.
Other names: c.710A>T, p.Asn237Ile (NM_000050.4); short protein forms N237I.
Identifiers: ClinVar variation 2136823 (VCV002136823.1), dbSNP rs565520844, ClinGen allele CA375229116.

ClinVar aggregate classification (germline): Uncertain significance (1 of 4 stars; one submission).

Conditions:
Citrullinemia. Identifiers: Orphanet 187, MedGen C0175683, MONDO:0015991.

Submission:

Labcorp Genetics (formerly Invitae), Labcorp
Classification: Uncertain significance for Citrullinemia. Last evaluated: 2021-10-14. Review status: criteria provided, single submitter. Criteria: Invitae Variant Classification Sherloc (09022015). Collection method: clinical testing. Allele origin: germline.
Comment: This sequence change replaces asparagine with isoleucine at codon 237 of the ASS1 protein (p.Asn237Ile). The asparagine residue is moderately conserved and there is a large physicochemical difference between asparagine and isoleucine. This variant is not present in population databases (ExAC no frequency). This missense change has been observed in individuals with citrullinemia (PMID: 28111830; Invitae). Algorithms developed to predict the effect of missense changes on protein structure and function are either unavailable or do not agree on the potential impact of this missense change (SIFT: "Deleterious"; PolyPhen-2: "Possibly Damaging"; Align-GVGD: "Class C0"). In summary, the available evidence is currently insufficient to determine the role of this variant in disease. Therefore, it has been classified as a Variant of Uncertain Significance.

Literature cited by the submitters: PubMed 28111830.